The following is an entry in ClinVar:

ClinVar aggregate classification (germline): Uncertain significance. Review status: criteria provided, multiple submitters, no conflicts (2 of 4 stars). 3 submissions from 3 submitters: Uncertain significance (3). Last evaluated 2026-04-08.

Conditions:
HSPB1-related disorder. Also called: HSPB1-related disorders; HSPB1-related condition.
Charcot-Marie-Tooth disease axonal type 2F (CMT2F). Also called: CHARCOT-MARIE-TOOTH DISEASE, NEURONAL, TYPE 2F; Charcot-Marie-Tooth Neuropathy Type 2F. Identifiers: Orphanet 99940, MedGen C1847823, MONDO:0011687, OMIM 606595.

Allele frequency attached by ClinVar (database versions not stated): gnomAD 0.00001; gnomAD exomes 0.00001 and 0.00004; TOPMed 0.00003.

Submissions (3):

PreventionGenetics, part of Exact Sciences
Classification: Uncertain significance for HSPB1-related condition. Last evaluated: 2026-04-08. Review status: criteria provided, single submitter. Criteria: ACMG Guidelines, 2015. Collection method: clinical testing. Allele origin: germline.
Comment: The HSPB1 c.29T>A variant is predicted to result in the amino acid substitution p.Leu10His. To our knowledge, this variant has not been reported in the literature. This variant is reported in 0.0019% of alleles in individuals of European (non-Finnish) descent in gnomAD. At this time, the clinical significance of this variant is uncertain due to the absence of conclusive functional and genetic evidence.

Labcorp Genetics (formerly Invitae), Labcorp
Classification: Uncertain significance for Charcot-Marie-Tooth disease axonal type 2F. Last evaluated: 2025-05-01. Review status: criteria provided, single submitter. Criteria: Invitae Variant Classification Sherloc (09022015). Collection method: clinical testing. Allele origin: germline.
Comment: This sequence change replaces leucine, which is neutral and non-polar, with histidine, which is basic and polar, at codon 10 of the HSPB1 protein (p.Leu10His). This variant is present in population databases (rs772216758, gnomAD 0.002%). This variant has not been reported in the literature in individuals affected with HSPB1-related conditions. ClinVar contains an entry for this variant (Variation ID: 465270). Invitae Evidence Modeling of protein sequence and biophysical properties (such as structural, functional, and spatial information, amino acid conservation, physicochemical variation, residue mobility, and thermodynamic stability) has been performed for this missense variant. However, the output from this modeling did not meet the statistical confidence thresholds required to predict the impact of this variant on HSPB1 protein function. In summary, the available evidence is currently insufficient to determine the role of this variant in disease. Therefore, it has been classified as a Variant of Uncertain Significance.

Mayo Clinic Laboratories, Mayo Clinic
Classification: Uncertain significance. Last evaluated: 2021-08-31. Review status: criteria provided, single submitter. Criteria: ACMG Guidelines, 2015. Collection method: clinical testing. Allele origin: germline.

NM_001540.5(HSPB1):c.29T>A (p.Leu10His)

Gene: HSPB1 (heat shock protein family B (small) member 1; plus strand). Cytogenetic location: 7q11.23.
Variant type: single nucleotide variant.
Coding change: c.29T>A on transcript NM_001540.5 (MANE Select); coding-DNA position 29, T replaced by A.
Protein change: p.Leu10His; replaces leucine 10 with histidine.
Molecular consequence: missense variant.
Genome position (GRCh38, 1-based): chr7:76,302,741, T>A. VCF-style: chr7-76302741-T-A. GRCh37 (hg19) VCF-style: chr7-75932058-T-A.
Other names: p.Leu10His; c.29T>A (LRG_248t1); short protein forms L10H.
Identifiers: ClinVar variation 465270 (VCV000465270.14), dbSNP rs772216758, ClinGen allele CA160898691.
Genomic context (GRCh38, chr7:76,302,741, plus strand): 5'-CTGAGCAGACGTCCAGAGCAGAGTCAGCCAGCATGACCGAGCGCCGCGTCCCCTTCTCGC[T>A]CCTGCGGGGCCCCAGCTGGGACCCCTTCCGCGACTGGTACCCGCATAGCCGCCTCTTCGA-3'
Protein context (NP_001531.1, residues 1-20): MTERRVPFS[Leu10His]LRGPSWDPFR